The following is an entry in ClinVar:

NM_000834.5(GRIN2B):c.1525G>A (p.Ala509Thr)

Gene: GRIN2B (glutamate ionotropic receptor NMDA type subunit 2B; minus strand). Cytogenetic location: 12p13.1.
Variant type: single nucleotide variant.
Coding change: c.1525G>A on transcript NM_000834.5 (MANE Select); coding-DNA position 1525, G replaced by A.
Protein change: p.Ala509Thr; replaces alanine 509 with threonine.
Molecular consequence: missense variant.
Genome position (GRCh38, 1-based): chr12:13,615,243, C>T on the plus strand (G>A on the coding strand, the complement: GRIN2B is on the minus strand). VCF-style: chr12-13615243-C-T. GRCh37 (hg19) VCF-style: chr12-13768177-C-T.
Other names: short protein forms A509T.
Identifiers: ClinVar variation 835834 (VCV000835834.1), dbSNP rs1949421309, ClinGen allele CA384051952.

ClinVar aggregate classification (germline): Uncertain significance (1 of 4 stars; one submission).

Conditions:
Intellectual developmental disorder, autosomal dominant 6, with or without seizures. Also called: Intellectual disability, autosomal dominant 6; GRIN2B-related developmental delay, intellectual disability and autism spectrum disorder. Identifiers: Orphanet 589547, MedGen C3151411, MONDO:0013509, OMIM 613970.
Developmental and epileptic encephalopathy, 27 (DEE27). Also called: GRIN2B-Related Neurodevelopmental Disorder; Epileptic encephalopathy, early infantile, 27. Identifiers: Orphanet 3451, MedGen C4015316, MONDO:0014505, OMIM 616139.

Submission:

Labcorp Genetics (formerly Invitae), Labcorp
Classification: Uncertain significance for Developmental and epileptic encephalopathy, 27; Mental retardation, autosomal dominant 6. Last evaluated: 2019-03-14. Review status: criteria provided, single submitter. Criteria: Invitae Variant Classification Sherloc (09022015). Collection method: clinical testing. Allele origin: germline.
Comment: This sequence change replaces alanine with threonine at codon 509 of the GRIN2B protein (p.Ala509Thr). The alanine residue is highly conserved and there is a small physicochemical difference between alanine and threonine. This variant is not present in population databases (ExAC no frequency). This variant has not been reported in the literature in individuals with GRIN2B-related conditions. Algorithms developed to predict the effect of missense changes on protein structure and function are either unavailable or do not agree on the potential impact of this missense change (SIFT: "Tolerated"; PolyPhen-2: "Possibly Damaging"; Align-GVGD: "Class C0"). In summary, the available evidence is currently insufficient to determine the role of this variant in disease. Therefore, it has been classified as a Variant of Uncertain Significance.